The following is an entry in ClinVar:

NM_000540.3(RYR1):c.859G>C (p.Gly287Arg)

Gene: RYR1 (ryanodine receptor 1; plus strand). Cytogenetic location: 19q13.2.
Variant type: single nucleotide variant.
Coding change: c.859G>C on transcript NM_000540.3 (MANE Select); coding-DNA position 859, G replaced by C.
Protein change: p.Gly287Arg; replaces glycine 287 with arginine.
Molecular consequence: missense variant.
Genome position (GRCh38, 1-based): chr19:38,448,413, G>C. VCF-style: chr19-38448413-G-C. GRCh37 (hg19) VCF-style: chr19-38939053-G-C.
Other names: c.859G>C, p.Gly287Arg (NM_001042723.2); short protein forms G287R.
Identifiers: ClinVar variation 3075185 (VCV003075185.1), dbSNP rs201292282, ClinGen allele CA072345.

ClinVar aggregate classification (germline): Uncertain significance (1 of 4 stars; one submission).

Conditions:
Malignant hyperthermia, susceptibility to, 1 (MHS1). Also called: Anesthesia related hyperthermia; Malignant hyperpyrexia; Fulminating hyperpyrexia; Pharmacogenic myopathy; RYR1-Related Malignant Hyperthermia Susceptibility; Malignant hyperthermia suceptibility 1. Identifiers: Orphanet 423, MedGen C2930980, MONDO:0007783, OMIM 145600.

gnomAD v4.1: 7 of 1,613,088 alleles (0.00043%); highest among the groups gnomAD compares: South Asian, 0.0033%; 1 homozygote.

Submission:

All of Us Research Program, National Institutes of Health
Classification: Uncertain significance for Malignant hyperthermia, susceptibility to, 1. Last evaluated: 2023-12-18. Review status: criteria provided, single submitter. Criteria: ACMG Guidelines, 2015. Collection method: clinical testing. Allele origin: germline. Inheritance: Autosomal dominant inheritance. Observed: 1 variant allele, 1 heterozygote.
Comment: This missense variant replaces glycine with arginine at codon 287 of the RYR1 protein. Computational prediction suggests that this variant may have deleterious impact on protein structure and function (internally defined REVEL score threshold >= 0.85, PMID: 27666373). This variant occurs in the N-terminal region (a.a. 1-552) of the RYR1 protein that is considered to be a hotspot for pathogenic variants that contribute to malignant hyperthermia susceptibility (PMID: 21118704). To our knowledge, functional studies have not been reported for this variant. This variant has not been reported in individuals affected with RYR1-related disorders in the literature. This variant has been identified in 5/250304 chromosomes in the general population by the Genome Aggregation Database (gnomAD). The available evidence is insufficient to determine the role of this variant in disease conclusively. Therefore, this variant is classified as a Variant of Uncertain Significance.

This study involves interpretation of variants in research participants for the purpose of population health screening. Participant phenotype was not available at the time of variant classification. Additional details can be found in publication PMID: 35346344, PMCID: PMC8962531

Literature cited by the submitters: PubMed 21118704.